The following is an entry in ClinVar:

ClinVar aggregate classification (germline): Uncertain significance (1 of 4 stars; one submission).

Conditions:
X-linked Alport syndrome (ATS1). Also called: NEPHROPATHY AND DEAFNESS, X-LINKED; COL4A5-Related Nephropathy. Identifiers: Orphanet 63, Orphanet 88917, MedGen C4746986, MONDO:0010520, OMIM 301050.

Allele frequency attached by ClinVar (database versions not stated): gnomAD exomes below 0.00001 and 0.00001; TOPMed 0.00001; ExAC 0.00002.
gnomAD v4.1: 2 of 1,208,002 alleles (0.00017%); highest among the groups gnomAD compares: Admixed American, 0.0044%; no homozygotes.

Submission:

Baylor Genetics
Classification: Uncertain significance for X-linked Alport syndrome. Last evaluated: 2018-05-30. Review status: criteria provided, single submitter. Criteria: ACMG Guidelines, 2015. Collection method: clinical testing. Allele origin: unknown. Affected: yes.
Comment: This variant was determined to be of uncertain significance according to ACMG Guidelines, 2015 [PMID:25741868].

NM_033380.3(COL4A5):c.2600T>C (p.Ile867Thr)

Gene: COL4A5 (collagen type IV alpha 5 chain; plus strand). Cytogenetic location: Xq22.3.
Variant type: single nucleotide variant.
Coding change: c.2600T>C on transcript NM_033380.3 (MANE Select); coding-DNA position 2600, T replaced by C.
Protein change: p.Ile867Thr; replaces isoleucine 867 with threonine.
Molecular consequence: missense variant.
Genome position (GRCh38, 1-based): chrX:108,620,349, T>C. VCF-style: chrX-108620349-T-C. GRCh37 (hg19) VCF-style: chrX-107863579-T-C.
Other names: c.2600T>C, p.Ile867Thr (NM_000495.5); short protein forms I867T.
Identifiers: ClinVar variation 1032394 (VCV001032394.1), dbSNP rs747918142, ClinGen allele CA10488951.